The following is an entry in ClinVar:

ClinVar aggregate classification (germline): Uncertain significance (0 of 4 stars; one submission).

Conditions:
SEMA3E-related disorder. Also called: SEMA3E-related condition.

gnomAD v4.1: 2 of 1,610,490 alleles (0.00012%); highest among the groups gnomAD compares: African/African-American, 0.0027%; no homozygotes.

Submission:

PreventionGenetics, part of Exact Sciences
Classification: Uncertain significance for SEMA3E-related condition. Last evaluated: 2024-02-07. Review status: no assertion criteria provided. Collection method: clinical testing. Allele origin: germline.
Comment: The SEMA3E c.819T>G variant is predicted to result in the amino acid substitution p.Asp273Glu. To our knowledge, this variant has not been reported in the literature. This variant is reported in 0.011% of alleles in individuals of African descent in gnomAD. At this time, the clinical significance of this variant is uncertain due to the absence of conclusive functional and genetic evidence.

NM_012431.3(SEMA3E):c.819T>G (p.Asp273Glu)

Gene: SEMA3E (semaphorin 3E; minus strand). Cytogenetic location: 7q21.11.
Variant type: single nucleotide variant.
Coding change: c.819T>G on transcript NM_012431.3 (MANE Select); coding-DNA position 819, T replaced by G.
Protein change: p.Asp273Glu; replaces aspartic acid 273 with glutamic acid.
Molecular consequence: missense variant.
Genome position (GRCh38, 1-based): chr7:83,406,054, A>C on the plus strand (T>G on the coding strand, the complement: SEMA3E is on the minus strand). VCF-style: chr7-83406054-A-C. GRCh37 (hg19) VCF-style: chr7-83035370-A-C.
Other names: c.639T>G, p.Asp213Glu (NM_001178129.2); short protein forms D213E, D273E.
Identifiers: ClinVar variation 3349296 (VCV003349296.1).